The following is an entry in ClinVar:

NM_001037333.3(CYFIP2):c.3197G>T (p.Gly1066Val)

Genes: CYFIP2 (cytoplasmic FMR1 interacting protein 2; plus strand), NIPAL4-DT (NIPAL4 divergent transcript; minus strand). Cytogenetic location: 5q33.3.
Variant type: single nucleotide variant.
Coding change: c.3197G>T on transcript NM_001037333.3 (MANE Select); coding-DNA position 3197, G replaced by T.
Protein change: p.Gly1066Val; replaces glycine 1066 with valine.
Molecular consequence: missense variant.
Genome position (GRCh38, 1-based): chr5:157,383,349, G>T. VCF-style: chr5-157383349-G-T. GRCh37 (hg19) VCF-style: chr5-156810357-G-T.
Other names: c.3119G>T, p.Gly1040Val (NM_001291721.2); c.3272G>T, p.Gly1091Val (NM_001291722.2); c.3197G>T, p.Gly1066Val (NM_014376.4); short protein forms G1040V, G1091V, G1066V.
Identifiers: ClinVar variation 2833752 (VCV002833752.3), dbSNP rs1766318282, ClinGen allele CA361981409.

ClinVar aggregate classification (germline): Uncertain significance (1 of 4 stars; one submission).

Allele frequency attached by ClinVar (database versions not stated): gnomAD exomes below 0.00001.
gnomAD v4.1: 1 of 1,613,686 alleles (0.000062%); highest among the groups gnomAD compares: Non-Finnish European, 0.000085%; no homozygotes.

Submission:

Labcorp Genetics (formerly Invitae), Labcorp
Classification: Uncertain significance. Last evaluated: 2023-10-18. Review status: criteria provided, single submitter. Criteria: Invitae Variant Classification Sherloc (09022015). Collection method: clinical testing. Allele origin: germline.
Comment: This sequence change replaces glycine, which is neutral and non-polar, with valine, which is neutral and non-polar, at codon 1066 of the CYFIP2 protein (p.Gly1066Val). This variant is not present in population databases (gnomAD no frequency). This variant has not been reported in the literature in individuals affected with CYFIP2-related conditions. Experimental studies and prediction algorithms are not available or were not evaluated, and the functional significance of this variant is currently unknown. In summary, the available evidence is currently insufficient to determine the role of this variant in disease. Therefore, it has been classified as a Variant of Uncertain Significance.